The following is an entry in ClinVar:

NM_006466.4(POLR3F):c.185A>G (p.Gln62Arg)

Gene: POLR3F (RNA polymerase III subunit F; plus strand). Cytogenetic location: 20p11.23.
Variant type: single nucleotide variant.
Coding change: c.185A>G on transcript NM_006466.4 (MANE Select); coding-DNA position 185, A replaced by G.
Protein change: p.Gln62Arg; replaces glutamine 62 with arginine.
Molecular consequence: missense variant. On other transcripts: non-coding transcript variant (1).
Genome position (GRCh38, 1-based): chr20:18,472,846, A>G. VCF-style: chr20-18472846-A-G. GRCh37 (hg19) VCF-style: chr20-18453490-A-G.
Other names: c.62A>G, p.Gln21Arg (NM_001282526.2); c.185A>G, p.Gln62Arg (NM_001410821.1); short protein forms Q21R, Q62R.
Identifiers: ClinVar variation 2874028 (VCV002874028.3), dbSNP rs2059760607, ClinGen allele CA408351364.

ClinVar aggregate classification (germline): Uncertain significance (1 of 4 stars; one submission).

Allele frequency attached by ClinVar (database versions not stated): gnomAD exomes below 0.00001; TOPMed below 0.00001; gnomAD 0.00001.
gnomAD v4.1: 3 of 1,415,424 alleles (0.00021%); highest among the groups gnomAD compares: African/African-American, 0.0043%; no homozygotes.

Submission:

Labcorp Genetics (formerly Invitae), Labcorp
Classification: Uncertain significance. Last evaluated: 2023-11-21. Review status: criteria provided, single submitter. Criteria: Invitae Variant Classification Sherloc (09022015). Collection method: clinical testing. Allele origin: germline.
Comment: This sequence change replaces glutamine, which is neutral and polar, with arginine, which is basic and polar, at codon 21 of the POLR3F protein (p.Gln21Arg). This variant is not present in population databases (gnomAD no frequency). This variant has not been reported in the literature in individuals affected with POLR3F-related conditions. Experimental studies and prediction algorithms are not available or were not evaluated, and the functional significance of this variant is currently unknown. In summary, the available evidence is currently insufficient to determine the role of this variant in disease. Therefore, it has been classified as a Variant of Uncertain Significance.